The following is an entry in ClinVar:

ClinVar aggregate classification (germline): Likely benign. Review status: criteria provided, multiple submitters, no conflicts (2 of 4 stars). 2 submissions from 2 submitters: Likely benign (2). Last evaluated 2025-11-09.

Conditions:
Familial thoracic aortic aneurysm and aortic dissection (TAAD). Also called: Thoracic aortic aneurysms and dissections. Identifiers: Orphanet 91387, MedGen C4707243, MONDO:0019625.

gnomAD v4.1: 6 of 1,613,872 alleles (0.00037%); highest among the groups gnomAD compares: Non-Finnish European, 0.00051%; no homozygotes.

Submissions (2):

Labcorp Genetics (formerly Invitae), Labcorp
Classification: Likely benign for Familial thoracic aortic aneurysm and aortic dissection. Last evaluated: 2025-11-09. Review status: criteria provided, single submitter. Criteria: Invitae Variant Classification Sherloc (09022015). Collection method: clinical testing. Allele origin: germline.

GeneDx
Classification: Likely benign. Last evaluated: 2017-08-30. Review status: criteria provided, single submitter. Criteria: GeneDx Variant Classification (06012015). Collection method: clinical testing. Allele origin: germline. Affected: yes.
Comment: This variant is considered likely benign or benign based on one or more of the following criteria: it is a conservative change, it occurs at a poorly conserved position in the protein, it is predicted to be benign by multiple in silico algorithms, and/or has population frequency not consistent with disease.

NM_003242.6(TGFBR2):c.455-4T>C

Gene: TGFBR2 (transforming growth factor beta receptor 2; plus strand). Cytogenetic location: 3p24.1.
Variant type: single nucleotide variant.
Coding change: c.455-4T>C on transcript NM_003242.6 (MANE Select); 4 bases into the intron before coding-DNA position 455, T replaced by C.
Molecular consequence: intron variant.
Genome position (GRCh38, 1-based): chr3:30,671,634, T>C. VCF-style: chr3-30671634-T-C. GRCh37 (hg19) VCF-style: chr3-30713126-T-C.
Other names: c.458-4T>C (NM_001407129.1); c.350-4T>C (NM_001407132.1, NM_001407136.1, NM_001407133.1 and 2 more transcripts); c.638-4T>C (NM_001407126.1); c.530-4T>C (NM_001024847.3); c.530-16753T>C (NM_001407139.1); c.170-4T>C (NM_001407137.1); c.563-4T>C (NM_001407127.1); c.455-4T>C (NM_001407130.1); and 2 more.
Identifiers: ClinVar variation 516730 (VCV000516730.9), dbSNP rs11466512, ClinGen allele CA658796250.
Genomic context (GRCh38, chr3:30,671,634, plus strand): 5'-ACTTCCTGACAGTACTTACCTACCACATCCAACTCCTTCTCTCCTTGTTTTGTTTCCCCA[T>C]CAGAATATAACACCAGCAATCCTGACTTGTTGCTAGTCATATTTCAAGTGACAGGCATCA-3'